The following continues an entry in ClinVar:

NM_024675.4(PALB2):c.1470C>T (p.Pro490=)

Gene: PALB2. ClinVar aggregate classification (germline): Benign/Likely benign. Benign (6); Likely benign (14).

Submissions 24 to 28 of 28:

Department of Pathology and Laboratory Medicine, Sinai Health System
Classification: Likely benign. Review status: no assertion criteria provided. Collection method: clinical testing. Allele origin: unknown. Affected: yes. Observed: 2 variant alleles. Study: The Canadian Open Genetics Repository (COGR). Not counted in ClinVar's aggregate classification.
Comment: The PALB2 p.Pro490= variant was identified in 5 of 4506 proband chromosomes (frequency: 0.001) from individuals or families with breast and/or ovarian cancer and 3 of 2168 control chromosomes (frequency 0.001; Hartley 2014, Adank 2011, Nguyen-Dumont 2013, Teo 2013, Bogdanova 2011, Rahman 2007). The variant was also identified in ClinVar (2x benign: Invitae, GeneDx; 5x Likely Benign: Ambry Genetics, MacCallum Cancer Genetics, Illumina, PALB2 database), LOVD 3.0 (4x as "probably does not affect function"), and the Zhejiang University Database (2x as "probably no pathogenicity"). The variant was not identified in the COSMIC or MutDB databases. The variant was identified in control databases in 75 of 277162 chromosomes at a frequency of 0.0003, increasing the likelihood this could be a low frequency benign variant (Genome Aggregation Consortium Feb 27, 2017). The p.Pro490= variant is not expected to have clinical significance because it does not result in a change of amino acid and is not located in a known consensus splice site. In addition, in silico or computational prediction software programs (SpliceSiteFinder, MaxEntScan, NNSPLICE, GeneSplicer, HumanSpliceFinder) do not predict a difference in splicing. In summary, based on the above information the clinical significance of this variant cannot be determined with certainty at this time although we would lean towards a more benign role for this variant. This variant is classified as likely benign.

Genome Diagnostics Laboratory, Amsterdam University Medical Center
Classification: Likely benign. Review status: no assertion criteria provided. Collection method: clinical testing. Allele origin: germline. Affected: yes. Study: VKGL Data-share Consensus. Not counted in ClinVar's aggregate classification.

Genome Diagnostics Laboratory, University Medical Center Utrecht
Classification: Likely benign. Review status: no assertion criteria provided. Collection method: clinical testing. Allele origin: germline. Affected: yes. Study: VKGL Data-share Consensus. Not counted in ClinVar's aggregate classification.

Joint Genome Diagnostic Labs from Nijmegen and Maastricht, Radboudumc and MUMC+
Classification: Likely benign. Review status: no assertion criteria provided. Collection method: clinical testing. Allele origin: germline. Affected: yes. Study: VKGL Data-share Consensus. Not counted in ClinVar's aggregate classification.

Laboratory of Diagnostic Genome Analysis, Leiden University Medical Center (LUMC)
Classification: Likely benign. Review status: no assertion criteria provided. Collection method: clinical testing. Allele origin: germline. Affected: yes. Study: VKGL Data-share Consensus. Not counted in ClinVar's aggregate classification.

Literature cited by the submitters: PubMed 17200668 (cited by 4 submitters); PubMed 24206657 (cited by Quest Diagnostics Nichols Institute San Juan Capistrano and Leiden Open Variation Database); PubMed 20582465 (cited by Quest Diagnostics Nichols Institute San Juan Capistrano and Counsyl); PubMed 26283626 (cited by Quest Diagnostics Nichols Institute San Juan Capistrano and Counsyl); PubMed 26564480 (cited by 3 submitters); PubMed 25225577 (cited by Quest Diagnostics Nichols Institute San Juan Capistrano and Women's Health and Genetics/Laboratory Corporation of America, LabCorp); PubMed 21165770 (cited by 4 submitters); PubMed 23448497 (cited by 4 submitters).